The following is an entry in ClinVar:

ClinVar aggregate classification (germline): Likely benign. Review status: criteria provided, multiple submitters, no conflicts (2 of 4 stars). 4 submissions from 3 submitters: Likely benign (4). Last evaluated 2023-12-24.

Conditions:
Usher syndrome type 2A. Also called: RETINAL DISEASE IN USHER SYNDROME TYPE IIA, MODIFIER OF; USHER SYNDROME, TYPE IIA. Identifiers: Orphanet 231178, Orphanet 886, MedGen C1848634, MONDO:0010169, OMIM 276901.
Retinitis pigmentosa 39 (RP39). Identifiers: Orphanet 791, MedGen C3151138, MONDO:0013436, OMIM 613809.

Allele frequency attached by ClinVar (database versions not stated): gnomAD exomes below 0.00001; ExAC 0.00001; gnomAD 0.00001; TOPMed 0.00001.
gnomAD v4.1: 6 of 1,613,838 alleles (0.00037%); highest among the groups gnomAD compares: Non-Finnish European, 0.00051%; no homozygotes.

Submissions (4):

Labcorp Genetics (formerly Invitae), Labcorp
Classification: Likely benign. Last evaluated: 2023-12-24. Review status: criteria provided, single submitter. Criteria: Invitae Variant Classification Sherloc (09022015). Collection method: clinical testing. Allele origin: germline.

Genome-Nilou Lab
Classification: Likely benign for Retinitis pigmentosa 39. Last evaluated: 2023-11-04. Review status: criteria provided, single submitter. Criteria: ACMG Guidelines, 2015. Collection method: clinical testing. Allele origin: germline. Affected: no.

Genome-Nilou Lab
Classification: Likely benign for Usher syndrome type 2A. Last evaluated: 2023-11-04. Review status: criteria provided, single submitter. Criteria: ACMG Guidelines, 2015. Collection method: clinical testing. Allele origin: germline. Affected: no.

CeGaT Center for Human Genetics Tuebingen
Classification: Likely benign. Last evaluated: 2022-04-01. Review status: criteria provided, single submitter. Criteria: CeGaT Center For Human Genetics Tuebingen Variant Classification Criteria Version 2. Collection method: clinical testing. Allele origin: germline. Affected: yes. Observed: 1 variant allele.
Comment: USH2A: BP4, BP7

NM_206933.4(USH2A):c.441A>G (p.Ser147=)

Gene: USH2A (usherin; minus strand). Cytogenetic location: 1q41.
Variant type: single nucleotide variant.
Coding change: c.441A>G on transcript NM_206933.4 (MANE Select); coding-DNA position 441, A replaced by G.
Protein change: p.Ser147=; no amino-acid change (serine 147 retained).
Molecular consequence: synonymous variant.
Genome position (GRCh38, 1-based): chr1:216,421,896, T>C on the plus strand (A>G on the coding strand, the complement: USH2A is on the minus strand). VCF-style: chr1-216421896-T-C. GRCh37 (hg19) VCF-style: chr1-216595238-T-C.
Other names: c.441A>G, p.Ser147= (NM_007123.6).
Identifiers: ClinVar variation 1564873 (VCV001564873.31), dbSNP rs773525654, ClinGen allele CA1396794.
Genomic context (GRCh38, chr1:216,421,896, plus strand): 5'-CTACACTACTACTTACATTACACCTTGTTGCTCAGGTTTCAGCCATACAGCTAAGGTAAA[T>C]GATGCCATCAGCTTTGGAGAAGGAGGAGAAGAAAAGCAGCTCTTGTGATTTCCAAAAATA-3'
Protein context (NP_996816.3, residues 137-157): SSPPSPKLMA[Ser147=]FTLAVWLKPE